The following is an entry in ClinVar:

NM_000533.5(PLP1):c.3G>A (p.Met1Ile)

Genes: RAB9B (RAB9B, member RAS oncogene family; minus strand), PLP1 (proteolipid protein 1; plus strand). Cytogenetic location: Xq22.2.
Variant type: single nucleotide variant.
Coding change: c.3G>A on transcript NM_000533.5 (MANE Select); coding-DNA position 3, G replaced by A.
Protein change: p.Met1Ile; changes the start codon (methionine 1).
Molecular consequence: missense variant, initiator codon variant.
Genome position (GRCh38, 1-based): chrX:103,776,998, G>A. VCF-style: chrX-103776998-G-A. GRCh37 (hg19) VCF-style: chrX-103031926-G-A.
Other names: c.3G>A, p.Met1Ile (NM_001128834.3, NM_001305004.1, NM_199478.3); short protein forms M1I.
Identifiers: ClinVar variation 11087 (VCV000011087.9), dbSNP rs132630290, ClinGen allele CA121352.

ClinVar aggregate classification (germline): Pathogenic. Review status: criteria provided, single submitter (1 of 4 stars). 2 submissions from 2 submitters: Pathogenic (1). 1 of the submissions does not count toward it. Last evaluated 2023-11-27.

Conditions:
Hereditary spastic paraplegia 2 (SPG2). Also called: Spastic Paraplegia 2 (SPG2); SPASTIC PARAPLEGIA 2, X-LINKED. Identifiers: Orphanet 99015, MedGen C0751604, MONDO:0010733, OMIM 312920.
Pelizaeus-Merzbacher disease, mild. Identifiers: MedGen C4016484.

Submissions (2):

Labcorp Genetics (formerly Invitae), Labcorp
Classification: Pathogenic for Hereditary spastic paraplegia 2. Last evaluated: 2023-11-27. Review status: criteria provided, single submitter. Criteria: Invitae Variant Classification Sherloc (09022015). Collection method: clinical testing. Allele origin: germline.
Comment: This sequence change affects the initiator methionine of the PLP1 mRNA. The next in-frame methionine is located at codon 206. This variant is not present in population databases (gnomAD no frequency). Disruption of the initiator codon has been observed in individuals with PLP1-related conditions (PMID: 8786077, 10417279, 12910435, 22343157). It has also been observed to segregate with disease in related individuals. ClinVar contains an entry for this variant (Variation ID: 11087). For these reasons, this variant has been classified as Pathogenic.

OMIM
Classification: Pathogenic for PELIZAEUS-MERZBACHER DISEASE, MILD. Last evaluated: 1996-03-01. Review status: no assertion criteria provided. Collection method: literature only. Allele origin: germline. Not counted in ClinVar's aggregate classification.

Literature cited by the submitters: PubMed 8786077 (cited by Labcorp Genetics (formerly Invitae), Labcorp and OMIM); PubMed 10417279 (cited by Labcorp Genetics (formerly Invitae), Labcorp); PubMed 12910435 (cited by Labcorp Genetics (formerly Invitae), Labcorp); PubMed 22343157 (cited by Labcorp Genetics (formerly Invitae), Labcorp).